The following is an entry in ClinVar:

ClinVar aggregate classification (germline): Likely pathogenic. Review status: criteria provided, multiple submitters, no conflicts (2 of 4 stars). 4 submissions from 3 submitters: Likely pathogenic (3). 1 of the submissions does not count toward it. Last evaluated 2025-06-20.

Conditions:
Lymphatic malformation 13 (LMPHM13). Also called: HYDROPS FETALIS, NONIMMUNE, WITH CARDIAC DEFECTS AND HEMANGIOMAS. Identifiers: MedGen C5830279, MONDO:0859379, OMIM 620244.
THSD1-related disorder. Also called: THSD1-related condition.
Non-immune hydrops fetalis (NIHF). Also called: Fetal edema; Idiopathic hydrops fetalis; Familial non-immune hydrops fetalis. Identifiers: Orphanet 363999, MedGen C0455988, MONDO:0009369, OMIM 236750, HP:0001790.

Allele frequency attached by ClinVar (database versions not stated): gnomAD exomes 0.00001.

Submissions (4):

PreventionGenetics, part of Exact Sciences
Classification: Likely pathogenic for THSD1-related condition. Last evaluated: 2025-06-20. Review status: criteria provided, single submitter. Criteria: ACMG Guidelines, 2015. Collection method: clinical testing. Allele origin: germline.
Comment: The THSD1 c.617G>A variant is predicted to result in the amino acid substitution p.Cys206Tyr. This variant has been reported in the homozygous state in individuals with severe edema in deceased neonates with history of non-immune hydrops fetalis (Shamseldin et al. 2015. PubMed ID: 26036949; Table S1, Monies et al. 2019. PubMed ID: 31130284; Table S4,Maddirevula et al. 2020. PubMed ID: 32552793; Al-Hamed et al. 2021. PubMed ID: 34853893). This variant is absent in a large population database (gnomAD), indicating this variant is rare. This variant is interpreted as likely pathogenic.

Genomic Medicine Center of Excellence, King Faisal Specialist Hospital and Research Centre
Classification: Likely pathogenic for Lymphatic malformation 13. Last evaluated: 2024-03-17. Review status: criteria provided, single submitter. Criteria: ACMG Guidelines, 2015. Collection method: research. Allele origin: germline.

Genomic Medicine Center of Excellence, King Faisal Specialist Hospital and Research Centre
Classification: Likely pathogenic for Non-Immune hydrops fetalis. Last evaluated: 2014-10-30. Review status: criteria provided, single submitter. Criteria: Submitter's publication. Collection method: research. Allele origin: germline. Affected: yes. Observed: 6 homozygotes.

OMIM
Classification: Pathogenic for LYMPHATIC MALFORMATION 13. Last evaluated: 2015-06-03. Review status: no assertion criteria provided. Collection method: literature only. Allele origin: germline. Not counted in ClinVar's aggregate classification.

Literature cited by the submitters: PubMed 26036949 (cited by OMIM); PubMed 28749478 (cited by OMIM).

NM_018676.4(THSD1):c.617G>A (p.Cys206Tyr)

Gene: THSD1 (thrombospondin type 1 domain containing 1; minus strand). Cytogenetic location: 13q14.3.
Variant type: single nucleotide variant.
Coding change: c.617G>A on transcript NM_018676.4 (MANE Select); coding-DNA position 617, G replaced by A.
Protein change: p.Cys206Tyr; replaces cysteine 206 with tyrosine.
Molecular consequence: missense variant.
Genome position (GRCh38, 1-based): chr13:52,397,636, C>T on the plus strand (G>A on the coding strand, the complement: THSD1 is on the minus strand). VCF-style: chr13-52397636-C-T. GRCh37 (hg19) VCF-style: chr13-52971771-C-T.
Other names: c.617G>A, p.Cys206Tyr (NM_199263.3); short protein forms C206Y.
Identifiers: ClinVar variation 190456 (VCV000190456.5), dbSNP rs786205669, ClinGen allele CA199702.
Genomic context (GRCh38, chr13:52,397,636, plus strand): 5'-GAGTCTCGCCCAAGCAGCTTCAGCACCACGGTGACATAGGCTTCTGGCCCCAAGGGTGCA[C>T]AGCCAAACTCAACCCACTGACCTTGAGCAAGTTCTGTCCTTTTGCTGGTTCTTATTTCCA-3'
Protein context (NP_061146.1, residues 196-216): LAQGQWVEFG[Cys206Tyr]APLGPEAYVT